The following is an entry in ClinVar:

ClinVar aggregate classification (germline): Pathogenic. Review status: criteria provided, single submitter (1 of 4 stars). 2 submissions from 2 submitters: Pathogenic (1). 1 of the submissions does not count toward it. Last evaluated 2026-07-06.

Conditions:
Cardiovascular phenotype. Identifiers: MedGen CN230736.

Submissions (2):

Ambry Genetics
Classification: Pathogenic for Cardiovascular phenotype. Last evaluated: 2026-07-06. Review status: criteria provided, single submitter. Criteria: Ambry Variant Classification Scheme 2023. Collection method: clinical testing. Allele origin: germline.
Comment: The p.Q36* pathogenic mutation (also known as c.106C>T), located in coding exon 1 of the LMNA gene, results from a C to T substitution at nucleotide position 106. This changes the amino acid from a glutamine to a stop codon within coding exon 1. This variant was reported in individual(s) with features consistent with LMNA-related laminopathy (van Rijsingen IA et al. Eur J Heart Fail, 2013 Apr;15:376-84; Gaertner A et al. Hum Mutat, 2020 Nov;41:1931-1943). This variant is considered to be rare based on population cohorts in the Genome Aggregation Database (gnomAD). This alteration is expected to result in loss of function by premature protein truncation or nonsense-mediated mRNA decay. As such, this alteration is interpreted as a disease-causing mutation.

Epithelial Biology;  Institute of Medical Biology, Singapore
No classification provided. Review status: no classification provided. Collection method: not provided. Allele origin: not provided. Not counted in ClinVar's aggregate classification.

Literature cited by the submitters: PubMed 23183350 (cited by Ambry Genetics); PubMed 32840935 (cited by Ambry Genetics).

NM_170707.4(LMNA):c.106C>T (p.Gln36Ter)

Gene: LMNA (lamin A/C; plus strand). Cytogenetic location: 1q22.
Variant type: single nucleotide variant.
Coding change: c.106C>T on transcript NM_170707.4 (MANE Select); coding-DNA position 106, C replaced by T.
Protein change: p.Gln36Ter; replaces glutamine 36 with a stop codon.
Molecular consequence: nonsense.
Genome position (GRCh38, 1-based): chr1:156,115,024, C>T. VCF-style: chr1-156115024-C-T. GRCh37 (hg19) VCF-style: chr1-156084815-C-T.
Other names: c.106C>T, p.Gln36Ter (NM_001282625.2, NM_001282626.2, NM_005572.4 and 1 more transcripts); short protein forms Q36*.
Identifiers: ClinVar variation 66770 (VCV000066770.2), dbSNP rs267607601, ClinGen allele CA016550.
Genomic context (GRCh38, chr1:156,115,024, plus strand): 5'-GCCAGCTCCACTCCGCTGTCGCCCACCCGCATCACCCGGCTGCAGGAGAAGGAGGACCTG[C>T]AGGAGCTCAATGATCGCTTGGCGGTCTACATCGACCGTGTGCGCTCGCTGGAAACGGAGA-3'